The following is an entry in ClinVar:

NM_000433.4(NCF2):c.406G>A (p.Glu136Lys)

Gene: NCF2 (neutrophil cytosolic factor 2; minus strand). Cytogenetic location: 1q25.3.
Variant type: single nucleotide variant.
Coding change: c.406G>A on transcript NM_000433.4 (MANE Select); coding-DNA position 406, G replaced by A.
Protein change: p.Glu136Lys; replaces glutamic acid 136 with lysine.
Molecular consequence: missense variant. On other transcripts: intron variant (2).
Genome position (GRCh38, 1-based): chr1:183,574,582, C>T on the plus strand (G>A on the coding strand, the complement: NCF2 is on the minus strand). VCF-style: chr1-183574582-C-T. GRCh37 (hg19) VCF-style: chr1-183543717-C-T.
Other names: c.406G>A, p.Glu136Lys (NM_001127651.3); c.366+3017G>A (NM_001190789.2); c.367-1290G>A (NM_001190794.2); short protein forms E136K.
Identifiers: ClinVar variation 1512519 (VCV001512519.8), dbSNP rs749319711, ClinGen allele CA343677842.

ClinVar aggregate classification (germline): Uncertain significance (1 of 4 stars; one submission).

Conditions:
Granulomatous disease, chronic, autosomal recessive, cytochrome b-positive, type 2. Also called: Chronic granulomatous disease due to deficiency of NCF-2; Chronic Granulomatous Disease, Autosomal Recessive, Cytochrome b-Positive, Type II; GRANULOMATOUS DISEASE, CHRONIC, AUTOSOMAL RECESSIVE, 2; CGD, AUTOSOMAL RECESSIVE CYTOCHROME b-POSITIVE, TYPE II; GRANULOMATOUS DISEASE, CHRONIC, DUE TO NCF2 DEFICIENCY. Identifiers: Orphanet 379, MedGen C1856245, MONDO:0009310, OMIM 233710.

Allele frequency attached by ClinVar (database versions not stated): gnomAD exomes below 0.00001; TOPMed below 0.00001; gnomAD 0.00001.
gnomAD v4.1: 2 of 1,614,004 alleles (0.00012%); highest among the groups gnomAD compares: Non-Finnish European, 0.00017%; no homozygotes.

Submission:

Labcorp Genetics (formerly Invitae), Labcorp
Classification: Uncertain significance for Granulomatous disease, chronic, autosomal recessive, cytochrome b-positive, type 2. Last evaluated: 2022-05-04. Review status: criteria provided, single submitter. Criteria: Invitae Variant Classification Sherloc (09022015). Collection method: clinical testing. Allele origin: germline.
Comment: This sequence change replaces glutamic acid, which is acidic and polar, with lysine, which is basic and polar, at codon 136 of the NCF2 protein (p.Glu136Lys). In summary, the available evidence is currently insufficient to determine the role of this variant in disease. Therefore, it has been classified as a Variant of Uncertain Significance. Algorithms developed to predict the effect of missense changes on protein structure and function (SIFT, PolyPhen-2, Align-GVGD) all suggest that this variant is likely to be tolerated. This variant has not been reported in the literature in individuals affected with NCF2-related conditions. This variant is not present in population databases (gnomAD no frequency).